The following is an entry in ClinVar:

NM_021020.5(LZTS1):c.539C>G (p.Ser180Cys)

Gene: LZTS1 (leucine zipper tumor suppressor 1; minus strand). Cytogenetic location: 8p21.3.
Variant type: single nucleotide variant.
Coding change: c.539C>G on transcript NM_021020.5 (MANE Select); coding-DNA position 539, C replaced by G.
Protein change: p.Ser180Cys; replaces serine 180 with cysteine.
Molecular consequence: missense variant.
Genome position (GRCh38, 1-based): chr8:20,253,392, G>C on the plus strand (C>G on the coding strand, the complement: LZTS1 is on the minus strand). VCF-style: chr8-20253392-G-C. GRCh37 (hg19) VCF-style: chr8-20110903-G-C.
Other names: c.539C>G, p.Ser180Cys (NM_001362884.2); short protein forms S180C.
Identifiers: ClinVar variation 2810208 (VCV002810208.3), dbSNP rs2486314087, ClinGen allele CA370478057.

ClinVar aggregate classification (germline): Uncertain significance (1 of 4 stars; one submission).

Submission:

Labcorp Genetics (formerly Invitae), Labcorp
Classification: Uncertain significance. Last evaluated: 2022-10-27. Review status: criteria provided, single submitter. Criteria: Invitae Variant Classification Sherloc (09022015). Collection method: clinical testing. Allele origin: germline.
Comment: In summary, the available evidence is currently insufficient to determine the role of this variant in disease. Therefore, it has been classified as a Variant of Uncertain Significance. Advanced modeling of protein sequence and biophysical properties (such as structural, functional, and spatial information, amino acid conservation, physicochemical variation, residue mobility, and thermodynamic stability) performed at Invitae indicates that this missense variant is expected to disrupt LZTS1 protein function. This variant has not been reported in the literature in individuals affected with LZTS1-related conditions. This sequence change replaces serine, which is neutral and polar, with cysteine, which is neutral and slightly polar, at codon 180 of the LZTS1 protein (p.Ser180Cys). This variant is not present in population databases (gnomAD no frequency).